The following is an entry in ClinVar:

NM_006158.5(NEFL):c.1253T>C (p.Val418Ala)

Gene: NEFL (neurofilament light chain; minus strand). Cytogenetic location: 8p21.2.
Variant type: single nucleotide variant.
Coding change: c.1253T>C on transcript NM_006158.5 (MANE Select); coding-DNA position 1253, T replaced by C.
Protein change: p.Val418Ala; replaces valine 418 with alanine.
Molecular consequence: missense variant.
Genome position (GRCh38, 1-based): chr8:24,953,712, A>G on the plus strand (T>C on the coding strand, the complement: NEFL is on the minus strand). VCF-style: chr8-24953712-A-G. GRCh37 (hg19) VCF-style: chr8-24811226-A-G.
Other names: short protein forms V418A.
Identifiers: ClinVar variation 4707642 (VCV004707642.1).

ClinVar aggregate classification (germline): Uncertain significance (1 of 4 stars; one submission).

Conditions:
Charcot-Marie-Tooth disease type 2E (CMT2E). Also called: CHARCOT-MARIE-TOOTH DISEASE, AXONAL, TYPE 2E; CHARCOT-MARIE-TOOTH NEUROPATHY, TYPE 2E. Identifiers: Orphanet 99939, MedGen C1843225, MONDO:0011894, OMIM 607684.

gnomAD v4.1: 3 of 1,613,838 alleles (0.00019%); highest among the groups gnomAD compares: African/African-American, 0.0027%; no homozygotes.

Submission:

Labcorp Genetics (formerly Invitae), Labcorp
Classification: Uncertain significance for Charcot-Marie-Tooth disease type 2E. Last evaluated: 2025-03-14. Review status: criteria provided, single submitter. Criteria: Invitae Variant Classification Sherloc (09022015). Collection method: clinical testing. Allele origin: germline.
Comment: This sequence change replaces valine, which is neutral and non-polar, with alanine, which is neutral and non-polar, at codon 418 of the NEFL protein (p.Val418Ala). This variant is present in population databases (no rsID available, gnomAD 0.0009%). This variant has not been reported in the literature in individuals affected with NEFL-related conditions. Invitae Evidence Modeling of protein sequence and biophysical properties (such as structural, functional, and spatial information, amino acid conservation, physicochemical variation, residue mobility, and thermodynamic stability) indicates that this missense variant is not expected to disrupt NEFL protein function with a negative predictive value of 80%. In summary, the available evidence is currently insufficient to determine the role of this variant in disease. Therefore, it has been classified as a Variant of Uncertain Significance.